The following is an entry in ClinVar:

NM_003118.4(SPARC):c.657C>A (p.Asp219Glu)

Gene: SPARC (secreted protein acidic and cysteine rich; minus strand). Cytogenetic location: 5q33.1.
Variant type: single nucleotide variant.
Coding change: c.657C>A on transcript NM_003118.4 (MANE Select); coding-DNA position 657, C replaced by A.
Protein change: p.Asp219Glu; replaces aspartic acid 219 with glutamic acid.
Molecular consequence: missense variant.
Genome position (GRCh38, 1-based): chr5:151,666,438, G>T on the plus strand (C>A on the coding strand, the complement: SPARC is on the minus strand). VCF-style: chr5-151666438-G-T. GRCh37 (hg19) VCF-style: chr5-151045999-G-T.
Other names: p.Asp219Glu; c.654C>A, p.Asp218Glu (NM_001309443.2); c.657C>A, p.Asp219Glu (NM_001309444.2); c.657C>A (NM_003118.3); short protein forms D218E, D219E.
Identifiers: ClinVar variation 598027 (VCV000598027.12), dbSNP rs141567625, ClinGen allele CA3522617.

ClinVar aggregate classification (germline): Uncertain significance. Review status: criteria provided, multiple submitters, no conflicts (2 of 4 stars). 6 submissions from 6 submitters: Uncertain significance (6). Last evaluated 2026-06-04.

Conditions:
SPARC-related disorder. Also called: SPARC-related condition.

Allele frequency attached by ClinVar (database versions not stated): gnomAD 0.00054 and 0.00063; gnomAD exomes 0.00059 and 0.00060; 1000 Genomes Project 0.00060; 1000 Genomes Project 30x 0.00062; ExAC 0.00064; ESP Exome Variant Server 0.00077; TOPMed 0.00088.
gnomAD v4.1: 979 of 1,614,196 alleles (0.061%); highest among the groups gnomAD compares: Middle Eastern, 0.23%; no homozygotes.

Submissions (6):

PreventionGenetics, part of Exact Sciences
Classification: Uncertain significance for SPARC-related condition. Last evaluated: 2026-06-04. Review status: criteria provided, single submitter. Criteria: ACMG Guidelines, 2015. Collection method: clinical testing. Allele origin: germline.
Comment: The SPARC c.657C>A variant is predicted to result in the amino acid substitution p.Asp219Glu. To our knowledge, this variant has not been reported in the literature. This variant is reported in 0.091% of alleles in individuals of European (Non-Finnish) descent in gnomAD. Although we suspect that this variant may be benign, at this time, the clinical significance of this variant is uncertain due to the absence of conclusive functional and genetic evidence.

Mayo Clinic Laboratories, Mayo Clinic
Classification: Uncertain significance. Last evaluated: 2025-09-30. Review status: criteria provided, single submitter. Criteria: ACMG Guidelines, 2015. Collection method: clinical testing. Allele origin: germline. Observed: 3 variant alleles.
Comment: BP4_moderate

Blueprint Genetics
Classification: Uncertain significance. Last evaluated: 2024-09-13. Review status: criteria provided, single submitter. Criteria: ACMG Guidelines, 2015. Collection method: clinical testing. Allele origin: germline.

Labcorp Genetics (formerly Invitae), Labcorp
Classification: Uncertain significance. Last evaluated: 2022-10-24. Review status: criteria provided, single submitter. Criteria: Invitae Variant Classification Sherloc (09022015). Collection method: clinical testing. Allele origin: germline.
Comment: This sequence change replaces aspartic acid, which is acidic and polar, with glutamic acid, which is acidic and polar, at codon 219 of the SPARC protein (p.Asp219Glu). This variant is present in population databases (rs141567625, gnomAD 0.09%), and has an allele count higher than expected for a pathogenic variant. This variant has not been reported in the literature in individuals affected with SPARC-related conditions. ClinVar contains an entry for this variant (Variation ID: 598027). Advanced modeling of protein sequence and biophysical properties (such as structural, functional, and spatial information, amino acid conservation, physicochemical variation, residue mobility, and thermodynamic stability) performed at Invitae indicates that this missense variant is not expected to disrupt SPARC protein function. In summary, the available evidence is currently insufficient to determine the role of this variant in disease. Therefore, it has been classified as a Variant of Uncertain Significance.

Eurofins Ntd Llc (ga)
Classification: Uncertain significance. Last evaluated: 2018-07-13. Review status: criteria provided, single submitter. Criteria: EGL ClinVar v180209 classification definitions. Collection method: clinical testing. Allele origin: germline. Observed: 1 variant allele, 1 heterozygote.

Breakthrough Genomics
Classification: Uncertain significance. Review status: criteria provided, single submitter. Criteria: ACMG Guidelines, 2015. Collection method: not provided. Allele origin: germline. Inheritance: Autosomal recessive inheritance. Affected: yes.

Literature cited by the submitters: PubMed 21976959 (cited by Mayo Clinic Laboratories, Mayo Clinic).